The following is an entry in ClinVar:

ClinVar aggregate classification (germline): Uncertain significance (1 of 4 stars; one submission).

Conditions:
RASopathy. Also called: Noonan spectrum disorder; rasopathies. Identifiers: Orphanet 536391, MedGen C5555857, MONDO:0021060.

Submission:

Labcorp Genetics (formerly Invitae), Labcorp
Classification: Uncertain significance for RASopathy. Last evaluated: 2024-12-07. Review status: criteria provided, single submitter. Criteria: Invitae Variant Classification Sherloc (09022015). Collection method: clinical testing. Allele origin: germline.
Comment: This sequence change replaces valine, which is neutral and non-polar, with alanine, which is neutral and non-polar, at codon 430 of the CBL protein (p.Val430Ala). This variant is not present in population databases (gnomAD no frequency). This variant has not been reported in the literature in individuals affected with CBL-related conditions. Invitae Evidence Modeling of protein sequence and biophysical properties (such as structural, functional, and spatial information, amino acid conservation, physicochemical variation, residue mobility, and thermodynamic stability) has been performed for this missense variant. However, the output from this modeling did not meet the statistical confidence thresholds required to predict the impact of this variant on CBL protein function. In summary, the available evidence is currently insufficient to determine the role of this variant in disease. Therefore, it has been classified as a Variant of Uncertain Significance.

NM_005188.4(CBL):c.1289T>C (p.Val430Ala)

Gene: CBL (Cbl proto-oncogene; plus strand). Cytogenetic location: 11q23.3.
Variant type: single nucleotide variant.
Coding change: c.1289T>C on transcript NM_005188.4 (MANE Select); coding-DNA position 1289, T replaced by C.
Protein change: p.Val430Ala; replaces valine 430 with alanine.
Molecular consequence: missense variant.
Genome position (GRCh38, 1-based): chr11:119,278,571, T>C. VCF-style: chr11-119278571-T-C. GRCh37 (hg19) VCF-style: chr11-119149281-T-C.
Other names: short protein forms V430A.
Identifiers: ClinVar variation 3713816 (VCV003713816.2).